The following is an entry in ClinVar:

ClinVar aggregate classification (germline): Uncertain significance. Review status: criteria provided, multiple submitters, no conflicts (2 of 4 stars). 3 submissions from 3 submitters: Uncertain significance (3). Last evaluated 2024-06-12.

Conditions:
Febrile seizures, familial, 4 (FEB4). Also called: CONVULSIONS, FAMILIAL FEBRILE, 4. Identifiers: MedGen C1858493, MONDO:0011443, OMIM 604352.
Usher syndrome type 2C. Also called: Usher syndrome, type 2B; USHER SYNDROME, TYPE IIC. Identifiers: Orphanet 231178, Orphanet 886, MedGen C2931213, MONDO:0011558, OMIM 605472.

gnomAD v4.1: 1 of 1,428,674 alleles (0.00007%); highest among the groups gnomAD compares: East Asian, 0.0023%; no homozygotes.

Submissions (3):

Fulgent Genetics
Classification: Uncertain significance for Febrile seizures, familial, 4; Usher syndrome type 2C. Last evaluated: 2024-06-12. Review status: criteria provided, single submitter. Criteria: ACMG Guidelines, 2015. Collection method: clinical testing. Allele origin: germline.

Blueprint Genetics
Classification: Uncertain significance. Last evaluated: 2022-02-24. Review status: criteria provided, single submitter. Criteria: ACMG Guidelines, 2015. Collection method: clinical testing. Allele origin: germline.

Labcorp Genetics (formerly Invitae), Labcorp
Classification: Uncertain significance. Last evaluated: 2021-12-24. Review status: criteria provided, single submitter. Criteria: Invitae Variant Classification Sherloc (09022015). Collection method: clinical testing. Allele origin: germline.
Comment: This sequence change replaces glycine, which is neutral and non-polar, with aspartic acid, which is acidic and polar, at codon 6268 of the ADGRV1 protein (p.Gly6268Asp). This variant is not present in population databases (gnomAD no frequency). This variant has not been reported in the literature in individuals affected with ADGRV1-related conditions. Algorithms developed to predict the effect of missense changes on protein structure and function are either unavailable or do not agree on the potential impact of this missense change (SIFT: "Deleterious"; PolyPhen-2: "Probably Damaging"; Align-GVGD: "Class C0"). In summary, the available evidence is currently insufficient to determine the role of this variant in disease. Therefore, it has been classified as a Variant of Uncertain Significance.

NM_032119.4(ADGRV1):c.18803G>A (p.Gly6268Asp)

Gene: ADGRV1 (adhesion G protein-coupled receptor V1; plus strand). Cytogenetic location: 5q14.3.
Variant type: single nucleotide variant.
Coding change: c.18803G>A on transcript NM_032119.4 (MANE Select); coding-DNA position 18803, G replaced by A.
Protein change: p.Gly6268Asp; replaces glycine 6268 with aspartic acid.
Molecular consequence: missense variant. On other transcripts: non-coding transcript variant (1).
Genome position (GRCh38, 1-based): chr5:91,163,782, G>A. VCF-style: chr5-91163782-G-A. GRCh37 (hg19) VCF-style: chr5-90459599-G-A.
Other names: short protein forms G6268D.
Identifiers: ClinVar variation 1947309 (VCV001947309.4), dbSNP rs1246740079, ClinGen allele CA360432838.